The following is an entry in ClinVar:

ClinVar aggregate classification (germline): Uncertain significance (1 of 4 stars; one submission).

Conditions:
Familial cancer of breast. Also called: Hereditary breast cancer; BREAST CANCER, FAMILIAL; hereditary breast carcinoma. Identifiers: Orphanet 227535, MedGen C0346153, MONDO:0016419, OMIM 114480. Disease mechanism: loss of function.

Submission:

Labcorp Genetics (formerly Invitae), Labcorp
Classification: Uncertain significance for Familial cancer of breast. Last evaluated: 2020-10-10. Review status: criteria provided, single submitter. Criteria: Invitae Variant Classification Sherloc (09022015). Collection method: clinical testing. Allele origin: germline.
Comment: This variant has not been reported in the literature in individuals with PALB2-related conditions. This variant is not present in population databases (ExAC no frequency). This sequence change replaces leucine with serine at codon 222 of the PALB2 protein (p.Leu222Ser). The leucine residue is weakly conserved and there is a large physicochemical difference between leucine and serine. Algorithms developed to predict the effect of missense changes on protein structure and function output the following: SIFT: "Tolerated"; PolyPhen-2: "Benign"; Align-GVGD: "Class C0". The serine amino acid residue is found in multiple mammalian species, suggesting that this missense change does not adversely affect protein function. These predictions have not been confirmed by published functional studies and their clinical significance is uncertain. In summary, the available evidence is currently insufficient to determine the role of this variant in disease. Therefore, it has been classified as a Variant of Uncertain Significance.

NM_024675.4(PALB2):c.665T>C (p.Leu222Ser)

Gene: PALB2 (partner and localizer of BRCA2; minus strand). Cytogenetic location: 16p12.2.
Variant type: single nucleotide variant.
Coding change: c.665T>C on transcript NM_024675.4 (MANE Select); coding-DNA position 665, T replaced by C.
Protein change: p.Leu222Ser; replaces leucine 222 with serine.
Molecular consequence: missense variant.
Genome position (GRCh38, 1-based): chr16:23,635,881, A>G on the plus strand (T>C on the coding strand, the complement: PALB2 is on the minus strand). VCF-style: chr16-23635881-A-G. GRCh37 (hg19) VCF-style: chr16-23647202-A-G.
Other names: short protein forms L222S.
Identifiers: ClinVar variation 1058856 (VCV001058856.10), dbSNP rs2142437926, ClinGen allele CA395136456.
Genomic context (GRCh38, chr16:23,635,881, plus strand): 5'-AAATTAGGTCTTCTTAGGAATGTATCAACACCTTTTTCTGGTTGGGCAGTTGGTGGAATT[A>G]ATACACTGTCTTCATTAATTTCTGTAACTGGTTCTGGAGAATCTGGAAGTTCAGATTTAA-3'
Protein context (NP_078951.2, residues 212-232): PVTEINEDSV[Leu222Ser]IPPTAQPEKG